The following is an entry in ClinVar:

NM_198075.4(LRRC56):c.1433G>A (p.Arg478Gln)

Gene: LRRC56 (leucine rich repeat containing 56; plus strand). Cytogenetic location: 11p15.5.
Variant type: single nucleotide variant.
Coding change: c.1433G>A on transcript NM_198075.4 (MANE Select); coding-DNA position 1433, G replaced by A.
Protein change: p.Arg478Gln; replaces arginine 478 with glutamine.
Molecular consequence: missense variant.
Genome position (GRCh38, 1-based): chr11:554,080, G>A. VCF-style: chr11-554080-G-A. GRCh37 (hg19) VCF-style: chr11-554080-G-A.
Other names: c.1433G>A (NM_198075.3); short protein forms R478Q.
Identifiers: ClinVar variation 1500476 (VCV001500476.5), dbSNP rs368150099, ClinGen allele CA5780107.

ClinVar aggregate classification (germline): Uncertain significance. Review status: criteria provided, multiple submitters, no conflicts (2 of 4 stars). 2 submissions from 2 submitters: Uncertain significance (2). Last evaluated 2025-09-26.

Allele frequency attached by ClinVar (database versions not stated): TOPMed 0.00002; gnomAD 0.00001; ESP Exome Variant Server 0.00008.
gnomAD v4.1: 17 of 1,608,660 alleles (0.0011%); highest among the groups gnomAD compares: African/African-American, 0.0013%; no homozygotes.

Submissions (2):

Ambry Genetics
Classification: Uncertain significance. Last evaluated: 2025-09-26. Review status: criteria provided, single submitter. Criteria: Ambry Variant Classification Scheme 2023. Collection method: clinical testing. Allele origin: germline.

Labcorp Genetics (formerly Invitae), Labcorp
Classification: Uncertain significance. Last evaluated: 2021-11-03. Review status: criteria provided, single submitter. Criteria: Invitae Variant Classification Sherloc (09022015). Collection method: clinical testing. Allele origin: germline.
Comment: In summary, the available evidence is currently insufficient to determine the role of this variant in disease. Therefore, it has been classified as a Variant of Uncertain Significance. Algorithms developed to predict the effect of missense changes on protein structure and function are either unavailable or do not agree on the potential impact of this missense change (SIFT: "Deleterious"; PolyPhen-2: "Possibly Damaging"; Align-GVGD: "Class C0"). This variant has not been reported in the literature in individuals affected with LRRC56-related conditions. This variant is present in population databases (rs368150099, gnomAD 0.01%). This sequence change replaces arginine, which is basic and polar, with glutamine, which is neutral and polar, at codon 478 of the LRRC56 protein (p.Arg478Gln).